The following is an entry in ClinVar:

ClinVar aggregate classification (germline): Uncertain significance (1 of 4 stars; one submission).

Submission:

Labcorp Genetics (formerly Invitae), Labcorp
Classification: Uncertain significance. Last evaluated: 2024-10-28. Review status: criteria provided, single submitter. Criteria: Invitae Variant Classification Sherloc (09022015). Collection method: clinical testing. Allele origin: germline.
Comment: This sequence change falls in intron 6 of the CD40 gene. It does not directly change the encoded amino acid sequence of the CD40 protein. It affects a nucleotide within the consensus splice site. This variant is not present in population databases (gnomAD no frequency). This variant has not been reported in the literature in individuals affected with CD40-related conditions. ClinVar contains an entry for this variant (Variation ID: 1433066). Variants that disrupt the consensus splice site are a relatively common cause of aberrant splicing (PMID: 17576681, 9536098). Algorithms developed to predict the effect of sequence changes on RNA splicing suggest that this variant is not likely to affect RNA splicing. In summary, the available evidence is currently insufficient to determine the role of this variant in disease. Therefore, it has been classified as a Variant of Uncertain Significance.

Literature cited by the submitters: PubMed 17576681; PubMed 9536098.

NM_001250.6(CD40):c.560-3C>T

Gene: CD40 (CD40 molecule; plus strand). Cytogenetic location: 20q13.12.
Variant type: single nucleotide variant.
Coding change: c.560-3C>T on transcript NM_001250.6 (MANE Select); 3 bases into the intron before coding-DNA position 560, C replaced by T.
Molecular consequence: intron variant. On other transcripts: non-coding transcript variant (1).
Genome position (GRCh38, 1-based): chr20:46,128,135, C>T. VCF-style: chr20-46128135-C-T. GRCh37 (hg19) VCF-style: chr20-44756774-C-T.
Other names: c.600-3C>T (NM_001302753.2); c.560-3C>T (NM_001322421.2, NM_001362758.2); c.498-3C>T (NM_152854.4); c.404-3C>T (NM_001322422.2).
Identifiers: ClinVar variation 1433066 (VCV001433066.5), dbSNP rs2145612284, ClinGen allele CA2573157125.